The following is an entry in ClinVar:

NM_001289104.2(PRKCSH):c.135del (p.Ile46fs)

Gene: PRKCSH (PRKCSH beta subunit of glucosidase II; plus strand). Cytogenetic location: 19p13.2.
Variant type: Deletion.
Coding change: c.135del on transcript NM_001289104.2 (MANE Select); coding-DNA position 135, one base deleted (C; older notation c.135delC).
Protein change: p.Ile46fs; shifts the reading frame from isoleucine 46.
Molecular consequence: frameshift variant.
Genome position (GRCh38, 1-based): chr19:11,436,444, C deleted; the last of 2 consecutive C bases (chr19:11,436,443-11,436,444); deleting either gives the same sequence. VCF-style (leftmost placement, unchanged base first): chr19-11436442-AC-A. GRCh37 (hg19) VCF-style: chr19-11547263-AC-A.
Other names: c.135del, p.Ile46fs (NM_001001329.3, NM_001289102.2, NM_001289103.2 and 3 more transcripts); short protein forms I46fs.
Identifiers: ClinVar variation 4534653 (VCV004534653.6).
Genomic context (GRCh38, chr19:11,436,442, plus strand): 5'-CCCGCAGATCATCACTTCTACGATGAGTCCAAGCCTTTCACCTGCCTGGACGGTTCGGCC[AC>A]CATCCCATTTGATCAGGTCAACGATGACTATTGCGACTGCAAAGATGGCTCTGACGAGCC-3'

ClinVar aggregate classification (germline): Pathogenic (1 of 4 stars; one submission).

Submission:

CeGaT Center for Human Genetics Tuebingen
Classification: Pathogenic. Last evaluated: 2025-10-01. Review status: criteria provided, single submitter. Criteria: CeGaT Center For Human Genetics Tuebingen Variant Classification Criteria Version 2. Collection method: clinical testing. Allele origin: germline. Affected: yes. Observed: 1 variant allele.
Comment: PRKCSH: PVS1, PM2